The following is an entry in ClinVar:

ClinVar aggregate classification (germline): Pathogenic (1 of 4 stars; one submission).

Submission:

Labcorp Genetics (formerly Invitae), Labcorp
Classification: Pathogenic. Last evaluated: 2023-12-21. Review status: criteria provided, single submitter. Criteria: Invitae Variant Classification Sherloc (09022015). Collection method: clinical testing. Allele origin: unknown.
Comment: This variant is a gross deletion of the genomic region encompassing exon(s) 17-21 of the POLE gene. This deletion is out-of-frame, and is expected to create a premature termination codon and result in an absent or disrupted protein product. Loss-of-function variants in POLE are known to be pathogenic (PMID: 23230001, 25948378, 30503519). This variant has not been reported in the literature in individuals affected with POLE-related conditions. For these reasons, this variant has been classified as Pathogenic.

Literature cited by the submitters: PubMed 23230001; PubMed 25948378; PubMed 30503519.

NC_000012.11:g.(?_133241868)_(133245545_?)del

Gene: POLE (DNA polymerase epsilon, catalytic subunit; minus strand). Cytogenetic location: 12q24.33.
Variant type: Deletion.
Identifiers: ClinVar variation 3244401 (VCV003244401.1).